The following is an entry in ClinVar:

ClinVar aggregate classification (germline): Uncertain significance (1 of 4 stars; one submission).

Submission:

GeneDx
Classification: Uncertain significance. Last evaluated: 2015-08-18. Review status: criteria provided, single submitter. Criteria: GeneDx Variant Classification (06012015). Collection method: clinical testing. Allele origin: germline. Affected: yes.
Comment: The c.3855+4 A>C splice site variant has not been published as a pathogenic variant, nor has it been reported as a benign polymorphism to our knowledge. It was not observed in approximately 6,500 individuals of European and African American ancestry in the NHLBI Exome Sequencing Project, indicating it is not a common benign variant in these populations. In silico models predict that c.3855+4 A>C damages the natural splice donor site in intron 16 and may cause abnormal splicing. However, in the absence of RNA/functional studies, the actual effect of the c.3855+4 A>C sequence change in this individual is unknown. Therefore, based on the currently available information, it is unclear whether this variant is a pathogenic or rare benign variant.

NM_133433.4(NIPBL):c.3855+4A>C

Gene: NIPBL (NIPBL cohesin loading factor; plus strand). Cytogenetic location: 5p13.2.
Variant type: single nucleotide variant.
Coding change: c.3855+4A>C on transcript NM_133433.4 (MANE Select); 4 bases into the intron after coding-DNA position 3855, A replaced by C.
Molecular consequence: intron variant.
Genome position (GRCh38, 1-based): chr5:37,003,351, A>C. VCF-style: chr5-37003351-A-C. GRCh37 (hg19) VCF-style: chr5-37003453-A-C.
Other names: c.3855+4A>C (NM_015384.5).
Identifiers: ClinVar variation 431893 (VCV000431893.2), dbSNP rs1554021100, ClinGen allele CA645372404.